The following is an entry in ClinVar:

NM_000156.6(GAMT):c.46T>G (p.Cys16Gly)

Genes: GAMT (guanidinoacetate N-methyltransferase; minus strand), LOC130062945 (ATAC-STARR-seq lymphoblastoid silent region 9707; plus strand). Cytogenetic location: 19p13.3.
Variant type: single nucleotide variant.
Coding change: c.46T>G on transcript NM_000156.6 (MANE Select); coding-DNA position 46, T replaced by G.
Protein change: p.Cys16Gly; replaces cysteine 16 with glycine.
Molecular consequence: missense variant.
Genome position (GRCh38, 1-based): chr19:1,401,431, A>C on the plus strand (T>G on the coding strand, the complement: GAMT is on the minus strand). VCF-style: chr19-1401431-A-C. GRCh37 (hg19) VCF-style: chr19-1401430-A-C.
Other names: c.46T>G, p.Cys16Gly (NM_138924.3); short protein forms C16G.
Identifiers: ClinVar variation 856428 (VCV000856428.8), dbSNP rs2082633520, ClinGen allele CA402998372.

ClinVar aggregate classification (germline): Uncertain significance. Review status: criteria provided, single submitter (1 of 4 stars). 2 submissions from 2 submitters: Uncertain significance (1). 1 of the submissions does not count toward it. Last evaluated 2022-02-04.

Conditions:
Cerebral creatine deficiency syndrome. Also called: Creatine deficiency syndromes. Identifiers: Orphanet 79172, MedGen C5244016, MONDO:0000456.
Deficiency of guanidinoacetate methyltransferase (CCDS2). Also called: CEREBRAL CREATINE DEFICIENCY SYNDROME 2; Guanidinoacetate Methyltransferase (GAMT) Deficiency; GAMT DEFICIENCY. Identifiers: Orphanet 382, MedGen C0574080, MONDO:0012999, OMIM 612736.

Submissions (2):

Labcorp Genetics (formerly Invitae), Labcorp
Classification: Uncertain significance for Cerebral creatine deficiency syndrome. Last evaluated: 2022-02-04. Review status: criteria provided, single submitter. Criteria: Invitae Variant Classification Sherloc (09022015). Collection method: clinical testing. Allele origin: germline.
Comment: This sequence change replaces cysteine, which is neutral and slightly polar, with glycine, which is neutral and non-polar, at codon 16 of the GAMT protein (p.Cys16Gly). This variant is not present in population databases (gnomAD no frequency). This variant has not been reported in the literature in individuals affected with GAMT-related conditions. ClinVar contains an entry for this variant (Variation ID: 856428). Algorithms developed to predict the effect of missense changes on protein structure and function are either unavailable or do not agree on the potential impact of this missense change (SIFT: "Deleterious"; PolyPhen-2: "Possibly Damaging"; Align-GVGD: "Class C0"). In summary, the available evidence is currently insufficient to determine the role of this variant in disease. Therefore, it has been classified as a Variant of Uncertain Significance.

Natera, Inc.
Classification: Uncertain significance for Guanidinoacetate methyltransferase deficiency. Last evaluated: 2021-04-02. Review status: no assertion criteria provided. Collection method: clinical testing. Allele origin: germline. Not counted in ClinVar's aggregate classification.